The following is an entry in ClinVar:

NM_021224.6(ZNF462):c.1056C>T (p.His352=)

Gene: ZNF462 (zinc finger protein 462; plus strand). Cytogenetic location: 9q31.2.
Variant type: single nucleotide variant.
Coding change: c.1056C>T on transcript NM_021224.6 (MANE Select); coding-DNA position 1056, C replaced by T.
Protein change: p.His352=; no amino-acid change (histidine 352 retained).
Molecular consequence: synonymous variant.
Genome position (GRCh38, 1-based): chr9:106,924,968, C>T. VCF-style: chr9-106924968-C-T. GRCh37 (hg19) VCF-style: chr9-109687249-C-T.
Other names: c.1056C>T, p.His352= (NM_001347997.2).
Identifiers: ClinVar variation 4872317 (VCV004872317.2).

ClinVar aggregate classification (germline): Likely benign (1 of 4 stars; one submission).

gnomAD v4.1: 207 of 1,614,206 alleles (0.013%); highest among the groups gnomAD compares: African/African-American, 0.23%; no homozygotes.

Submission:

CeGaT Center for Human Genetics Tuebingen
Classification: Likely benign. Last evaluated: 2026-04-01. Review status: criteria provided, single submitter. Criteria: CeGaT Center For Human Genetics Tuebingen Variant Classification Criteria Version 2. Collection method: clinical testing. Allele origin: germline. Affected: yes. Observed: 1 variant allele.
Comment: ZNF462: BP4, BP7